The following is an entry in ClinVar:

NM_080680.3(COL11A2):c.341_352del (p.Leu114_Gly117del)

Gene: COL11A2 (collagen type XI alpha 2 chain; minus strand). Cytogenetic location: 6p21.32.
Variant type: Deletion.
Coding change: c.341_352del on transcript NM_080680.3 (MANE Select); coding-DNA positions 341 to 352, 12 bases deleted (TGGAGCTGGGCC).
Protein change: p.Leu114_Gly117del.
Molecular consequence: inframe deletion.
Genome position (GRCh38, 1-based): chr6:33,189,069-33,189,080, GGCCCAGCTCCA deleted on the plus strand (TGGAGCTGGGCC on the coding strand, the reverse complement: COL11A2 is on the minus strand); deleting any 12 consecutive bases within chr6:33,189,069-33,189,089 gives the same sequence; the c. name uses the placement nearest the transcript's 3' end. VCF-style (leftmost placement, unchanged base first): chr6-33189068-CGGCCCAGCTCCA-C. GRCh37 (hg19) VCF-style: chr6-33156845-CGGCCCAGCTCCA-C.
Other names: c.341_352del, p.Leu114_Gly117del (NM_001163771.2, NM_080679.3, NM_080681.3).
Identifiers: ClinVar variation 1976995 (VCV001976995.5), dbSNP rs1562389182, ClinGen allele CA566699263.

ClinVar aggregate classification (germline): Uncertain significance (1 of 4 stars; one submission).

Submission:

Labcorp Genetics (formerly Invitae), Labcorp
Classification: Uncertain significance. Last evaluated: 2022-09-21. Review status: criteria provided, single submitter. Criteria: Invitae Variant Classification Sherloc (09022015). Collection method: clinical testing. Allele origin: germline.
Comment: In summary, the available evidence is currently insufficient to determine the role of this variant in disease. Therefore, it has been classified as a Variant of Uncertain Significance. Experimental studies and prediction algorithms are not available or were not evaluated, and the functional significance of this variant is currently unknown. This variant has not been reported in the literature in individuals affected with COL11A2-related conditions. This variant is present in population databases (no rsID available, gnomAD 0.003%). This variant, c.341_352del, results in the deletion of 4 amino acid(s) of the COL11A2 protein (p.Leu114_Gly117del), but otherwise preserves the integrity of the reading frame.